The following is an entry in ClinVar:

ClinVar aggregate classification (germline): Conflicting classifications of pathogenicity. Review status: criteria provided, conflicting classifications (1 of 4 stars). 2 submissions from 2 submitters: Uncertain significance (1); Likely benign (1). Last evaluated 2026-01-24.

Conditions:
Cardiovascular phenotype. Identifiers: MedGen CN230736.

Allele frequency attached by ClinVar (database versions not stated): TOPMed 0.00007; gnomAD exomes 0.00025; gnomAD 0.00043; ExAC 0.00062; 1000 Genomes Project 0.00260; 1000 Genomes Project 30x 0.00265.
gnomAD v4.1: 464 of 1,612,548 alleles (0.029%); highest among the groups gnomAD compares: South Asian, 0.39%; 11 homozygotes.

Submissions (2):

Labcorp Genetics (formerly Invitae), Labcorp
Classification: Likely benign. Last evaluated: 2026-01-24. Review status: criteria provided, single submitter. Criteria: Invitae Variant Classification Sherloc (09022015). Collection method: clinical testing. Allele origin: germline.

Ambry Genetics
Classification: Uncertain significance for Cardiovascular phenotype. Last evaluated: 2025-05-18. Review status: criteria provided, single submitter. Criteria: Ambry Variant Classification Scheme 2023. Collection method: clinical testing. Allele origin: germline.
Comment: The p.G3174R variant (also known as c.9520G>A), located in coding exon 27 of the TNXB gene, results from a G to A substitution at nucleotide position 9520. The glycine at codon 3174 is replaced by arginine, an amino acid with dissimilar properties. This alteration has been reported in a vesicoureteral reflux (VUR) cohort (Tokhmafshan F et al. Can Urol Assoc J, 2020 Apr;14:E128-E136). This amino acid position is not well conserved in available vertebrate species. In addition, this alteration is predicted to be tolerated by in silico analysis. Since supporting evidence is limited at this time, the clinical significance of this alteration remains unclear.

Literature cited by the submitters: PubMed 31702543 (cited by Ambry Genetics).

NM_001365276.2(TNXB):c.9526G>A (p.Gly3176Arg)

Gene: TNXB (tenascin XB; minus strand). Cytogenetic location: 6p21.33.
Variant type: single nucleotide variant.
Coding change: c.9526G>A on transcript NM_001365276.2 (MANE Select); coding-DNA position 9526, G replaced by A.
Protein change: p.Gly3176Arg; replaces glycine 3176 with arginine.
Molecular consequence: missense variant.
Genome position (GRCh38, 1-based): chr6:32,049,501, C>T on the plus strand (G>A on the coding strand, the complement: TNXB is on the minus strand). VCF-style: chr6-32049501-C-T. GRCh37 (hg19) VCF-style: chr6-32017278-C-T.
Other names: c.9520G>A, p.Gly3174Arg (NM_019105.8); short protein forms G3174R, G3176R.
Identifiers: ClinVar variation 1767259 (VCV001767259.5), dbSNP rs528173262, ClinGen allele CA3733493.
Genomic context (GRCh38, chr6:32,049,501, plus strand): 5'-AGGAGTCGAAGCGGCCCTGGGGGACGGTCCAGGAGAGGCTCAGCGAGTCAGGGGAGGATC[C>T]TGTCACTGTCAACTCCCCCAGGAGCGGCTCCTCAGGGGCCTCCGGGGCCTCAGTGCTGGG-3'
Protein context (NP_001352205.1, residues 3166-3186): EPLLGELTVT[Gly3176Arg]SSPDSLSLSW